The following is an entry in ClinVar:

NM_006231.4(POLE):c.6224C>T (p.Thr2075Ile)

Gene: POLE (DNA polymerase epsilon, catalytic subunit; minus strand). Cytogenetic location: 12q24.33.
Variant type: single nucleotide variant.
Coding change: c.6224C>T on transcript NM_006231.4 (MANE Select); coding-DNA position 6224, C replaced by T.
Protein change: p.Thr2075Ile; replaces threonine 2075 with isoleucine.
Molecular consequence: missense variant.
Genome position (GRCh38, 1-based): chr12:132,632,421, G>A on the plus strand (C>T on the coding strand, the complement: POLE is on the minus strand). VCF-style: chr12-132632421-G-A. GRCh37 (hg19) VCF-style: chr12-133209007-G-A.
Other names: short protein forms T2075I.
Identifiers: ClinVar variation 654233 (VCV000654233.10), dbSNP rs952583197, ClinGen allele CA246292806.

ClinVar aggregate classification (germline): Uncertain significance (1 of 4 stars; one submission).

Submission:

Labcorp Genetics (formerly Invitae), Labcorp
Classification: Uncertain significance. Last evaluated: 2025-10-08. Review status: criteria provided, single submitter. Criteria: Invitae Variant Classification Sherloc (09022015). Collection method: clinical testing. Allele origin: germline.
Comment: This sequence change replaces threonine, which is neutral and polar, with isoleucine, which is neutral and non-polar, at codon 2075 of the POLE protein (p.Thr2075Ile). This variant is not present in population databases (gnomAD no frequency). This variant has not been reported in the literature in individuals affected with POLE-related conditions. ClinVar contains an entry for this variant (Variation ID: 654233). Invitae Evidence Modeling of protein sequence and biophysical properties (such as structural, functional, and spatial information, amino acid conservation, physicochemical variation, residue mobility, and thermodynamic stability) indicates that this missense variant is not expected to disrupt POLE protein function with a negative predictive value of 80%. In summary, the available evidence is currently insufficient to determine the role of this variant in disease. Therefore, it has been classified as a Variant of Uncertain Significance.